The following is an entry in ClinVar:

ClinVar aggregate classification (germline): Likely benign (1 of 4 stars; one submission).

Conditions:
Malignant hyperthermia, susceptibility to, 1 (MHS1). Also called: Anesthesia related hyperthermia; Malignant hyperpyrexia; Fulminating hyperpyrexia; Pharmacogenic myopathy; RYR1-Related Malignant Hyperthermia Susceptibility; Malignant hyperthermia suceptibility 1. Identifiers: Orphanet 423, MedGen C2930980, MONDO:0007783, OMIM 145600.

gnomAD v4.1: 1 of 1,613,396 alleles (0.000062%); highest among the groups gnomAD compares: Non-Finnish European, 0.000085%; no homozygotes.

Submission:

All of Us Research Program, National Institutes of Health
Classification: Likely benign for Malignant hyperthermia, susceptibility to, 1. Last evaluated: 2023-06-08. Review status: criteria provided, single submitter. Criteria: ACMG Guidelines, 2015. Collection method: clinical testing. Allele origin: germline. Inheritance: Autosomal dominant inheritance. Observed: 1 variant allele, 1 heterozygote.
Comment: This study involves interpretation of variants in research participants for the purpose of population health screening. Participant phenotype was not available at the time of variant classification. Additional details can be found in publication PMID: 35346344, PMCID: PMC8962531

NM_000540.3(RYR1):c.6883C>T (p.Leu2295=)

Gene: RYR1 (ryanodine receptor 1; plus strand). Cytogenetic location: 19q13.2.
Variant type: single nucleotide variant.
Coding change: c.6883C>T on transcript NM_000540.3 (MANE Select); coding-DNA position 6883, C replaced by T.
Protein change: p.Leu2295=; no amino-acid change (leucine 2295 retained).
Molecular consequence: synonymous variant.
Genome position (GRCh38, 1-based): chr19:38,496,946, C>T. VCF-style: chr19-38496946-C-T. GRCh37 (hg19) VCF-style: chr19-38987586-C-T.
Other names: c.6883C>T, p.Leu2295= (NM_001042723.2).
Identifiers: ClinVar variation 3071672 (VCV003071672.1), dbSNP rs765321584, ClinGen allele CA507242838.